The following is an entry in ClinVar:

NM_152347.5(EFCAB13):c.2415C>T (p.Asn805=)

Gene: EFCAB13 (EF-hand calcium binding domain 13; plus strand). Cytogenetic location: 17q21.32.
Variant type: single nucleotide variant.
Coding change: c.2415C>T on transcript NM_152347.5 (MANE Select); coding-DNA position 2415, C replaced by T.
Protein change: p.Asn805=; no amino-acid change (asparagine 805 retained).
Molecular consequence: synonymous variant.
Genome position (GRCh38, 1-based): chr17:47,412,909, C>T. VCF-style: chr17-47412909-C-T. GRCh37 (hg19) VCF-style: chr17-45490275-C-T.
Other names: c.2127C>T, p.Asn709= (NM_001195192.2, NM_001426588.1); c.2415C>T, p.Asn805= (NM_001426585.1); c.2271C>T, p.Asn757= (NM_001426586.1, NM_001426587.1).
Identifiers: ClinVar variation 3038058 (VCV003038058.2), dbSNP rs117421268, ClinGen allele CA8624260.

ClinVar aggregate classification (germline): Benign (0 of 4 stars; one submission).

Conditions:
EFCAB13-related disorder. Also called: EFCAB13-related condition.

Allele frequency attached by ClinVar (database versions not stated): ESP Exome Variant Server 0.00231; TOPMed 0.00249; gnomAD 0.00266; gnomAD exomes 0.00339; 1000 Genomes Project 0.00359; 1000 Genomes Project 30x 0.00359; ExAC 0.00471.
gnomAD v4.1: 5,311 of 1,606,122 alleles (0.33%); highest among the groups gnomAD compares: East Asian, 0.84%; 22 homozygotes.

Submission:

PreventionGenetics, part of Exact Sciences
Classification: Benign for EFCAB13-related condition. Last evaluated: 2020-01-14. Review status: no assertion criteria provided. Collection method: clinical testing. Allele origin: germline.
Comment: This variant is classified as benign based on ACMG/AMP sequence variant interpretation guidelines (Richards et al. 2015 PMID: 25741868, with internal and published modifications).